The following is an entry in ClinVar:

ClinVar aggregate classification (germline): Likely benign. Review status: criteria provided, single submitter (1 of 4 stars). 2 submissions from 2 submitters: Likely benign (1). 1 of the submissions does not count toward it. Last evaluated 2025-06-07.

Conditions:
IRX5-related disorder. Also called: IRX5-related condition.

Allele frequency attached by ClinVar (database versions not stated): ExAC 0.00002; gnomAD exomes 0.00003; TOPMed 0.00003.
gnomAD v4.1: 11 of 1,610,782 alleles (0.00068%); highest among the groups gnomAD compares: Admixed American, 0.015%; no homozygotes.

Submissions (2):

Labcorp Genetics (formerly Invitae), Labcorp
Classification: Likely benign. Last evaluated: 2025-06-07. Review status: criteria provided, single submitter. Criteria: Invitae Variant Classification Sherloc (09022015). Collection method: clinical testing. Allele origin: germline.

PreventionGenetics, part of Exact Sciences
Classification: Likely benign for IRX5-related condition. Last evaluated: 2019-06-11. Review status: no assertion criteria provided. Collection method: clinical testing. Allele origin: germline. Not counted in ClinVar's aggregate classification.
Comment: This variant is classified as likely benign based on ACMG/AMP sequence variant interpretation guidelines (Richards et al. 2015 PMID: 25741868, with internal and published modifications).

NM_005853.6(IRX5):c.1203T>G (p.Pro401=)

Gene: IRX5 (iroquois homeobox 5; plus strand). Cytogenetic location: 16q12.2.
Variant type: single nucleotide variant.
Coding change: c.1203T>G on transcript NM_005853.6 (MANE Select); coding-DNA position 1203, T replaced by G.
Protein change: p.Pro401=; no amino-acid change (proline 401 retained).
Molecular consequence: synonymous variant.
Genome position (GRCh38, 1-based): chr16:54,933,624, T>G. VCF-style: chr16-54933624-T-G. GRCh37 (hg19) VCF-style: chr16-54967536-T-G.
Other names: c.1200T>G, p.Pro400= (NM_001252197.1).
Identifiers: ClinVar variation 731657 (VCV000731657.6), dbSNP rs778731890, ClinGen allele CA8059351.